The following is an entry in ClinVar:

NM_145290.4(ADGRA3):c.1849C>T (p.Leu617Phe)

Gene: ADGRA3 (adhesion G protein-coupled receptor A3; minus strand). Cytogenetic location: 4p15.2.
Variant type: single nucleotide variant.
Coding change: c.1849C>T on transcript NM_145290.4 (MANE Select); coding-DNA position 1849, C replaced by T.
Protein change: p.Leu617Phe; replaces leucine 617 with phenylalanine.
Molecular consequence: missense variant.
Genome position (GRCh38, 1-based): chr4:22,413,775, G>A on the plus strand (C>T on the coding strand, the complement: ADGRA3 is on the minus strand). VCF-style: chr4-22413775-G-A. GRCh37 (hg19) VCF-style: chr4-22415398-G-A.
Other names: short protein forms L617F.
Identifiers: ClinVar variation 963734 (VCV000963734.9), dbSNP rs955891778, ClinGen allele CA93511412.
Genomic context (GRCh38, chr4:22,413,775, plus strand): 5'-GAAGCTTGTAAAGAGAGTCATCAGTTGGTCTGAGTTCTCTTTTTTGCTTTGGTGAGAAAA[G>A]GGAAGGAGGAAGCTGAATAGAAGCCTCCACAATAGTATTCTGAAAAAATATATATACATA-3'
Protein context (NP_660333.2, residues 607-627): VEASIQLPPS[Leu617Phe]FSPKQKRELR

ClinVar aggregate classification (germline): Uncertain significance (1 of 4 stars; one submission).

Allele frequency attached by ClinVar (database versions not stated): gnomAD exomes below 0.00001.
gnomAD v4.1: 3 of 1,613,750 alleles (0.00019%); highest among the groups gnomAD compares: Non-Finnish European, 0.00025%; no homozygotes.

Submission:

Labcorp Genetics (formerly Invitae), Labcorp
Classification: Uncertain significance. Last evaluated: 2024-10-25. Review status: criteria provided, single submitter. Criteria: Invitae Variant Classification Sherloc (09022015). Collection method: clinical testing. Allele origin: germline.
Comment: This sequence change replaces leucine, which is neutral and non-polar, with phenylalanine, which is neutral and non-polar, at codon 617 of the ADGRA3 protein (p.Leu617Phe). This variant is not present in population databases (gnomAD no frequency). This variant has not been reported in the literature in individuals affected with ADGRA3-related conditions. ClinVar contains an entry for this variant (Variation ID: 963734). An algorithm developed to predict the effect of missense changes on protein structure and function (PolyPhen-2) suggests that this variant is likely to be disruptive. In summary, the available evidence is currently insufficient to determine the role of this variant in disease. Therefore, it has been classified as a Variant of Uncertain Significance.